The following is an entry in ClinVar:

ClinVar aggregate classification (germline): Uncertain significance. Review status: criteria provided, multiple submitters, no conflicts (2 of 4 stars). 2 submissions from 2 submitters: Uncertain significance (2). Last evaluated 2024-02-07.

Conditions:
Epidermolysis bullosa simplex with nail dystrophy (EBS5D). Identifiers: MedGen C4225309, MONDO:0014661, OMIM 616487.
Epidermolysis bullosa simplex, Ogna type (EBS5A). Also called: Pidermolysis bullosa simplex 5A, Ogna type; EPIDERMOLYSIS BULLOSA SIMPLEX 5A, OGNA TYPE. Identifiers: Orphanet 79401, MedGen C0432317, MONDO:0007555, OMIM 131950.
Autosomal recessive limb-girdle muscular dystrophy type 2Q (LGMDR17). Also called: MUSCULAR DYSTROPHY, LIMB-GIRDLE, AUTOSOMAL RECESSIVE 17. Identifiers: Orphanet 254361, MedGen C3150989, MONDO:0013390, OMIM 613723.
Epidermolysis bullosa simplex 5C, with pyloric atresia (EBS5C). Also called: PLEC-Related Epidermolysis Bullosa with Pyloric Atresia; Epidermolysis bullosa simplex with pyloric atresia; PLEC1-Related Epidermolysis Bullosa with Pyloric Atresia. Identifiers: Orphanet 158684, MedGen C2677349, MONDO:0012807, OMIM 612138.
Epidermolysis bullosa simplex 5B, with muscular dystrophy (EBS5B). Also called: EPIDERMOLYSIS BULLOSA SIMPLEX AND LIMB-GIRDLE MUSCULAR DYSTROPHY; Epidermolysis bullosa simplex with muscular dystrophy. Identifiers: Orphanet 257, MedGen C2931072, MONDO:0009181, OMIM 226670.

Allele frequency attached by ClinVar (database versions not stated): gnomAD exomes below 0.00001; TOPMed 0.00001.
gnomAD v4.1: 3 of 1,607,154 alleles (0.00019%); highest among the groups gnomAD compares: Non-Finnish European, 0.00025%; no homozygotes.

Submissions (2):

Labcorp Genetics (formerly Invitae), Labcorp
Classification: Uncertain significance for Autosomal recessive limb-girdle muscular dystrophy type 2Q; Epidermolysis bullosa simplex, Ogna type; Epidermolysis bullosa simplex with nail dystrophy; Epidermolysis bullosa simplex 5C, with pyloric atresia; Epidermolysis bullosa simplex 5B, with muscular dystrophy. Last evaluated: 2024-02-07. Review status: criteria provided, single submitter. Criteria: Invitae Variant Classification Sherloc (09022015). Collection method: clinical testing. Allele origin: germline.
Comment: This sequence change replaces lysine, which is basic and polar, with threonine, which is neutral and polar, at codon 2526 of the PLEC protein (p.Lys2526Thr). This variant is not present in population databases (gnomAD no frequency). This variant has not been reported in the literature in individuals affected with PLEC-related conditions. ClinVar contains an entry for this variant (Variation ID: 471650). Advanced modeling of protein sequence and biophysical properties (such as structural, functional, and spatial information, amino acid conservation, physicochemical variation, residue mobility, and thermodynamic stability) has been performed at Invitae for this missense variant, however the output from this modeling did not meet the statistical confidence thresholds required to predict the impact of this variant on PLEC protein function. In summary, the available evidence is currently insufficient to determine the role of this variant in disease. Therefore, it has been classified as a Variant of Uncertain Significance.

Eurofins Ntd Llc (ga)
Classification: Uncertain significance. Last evaluated: 2017-11-06. Review status: criteria provided, single submitter. Criteria: EGL Classification Definitions 2015. Collection method: clinical testing. Allele origin: germline. Observed: 1 variant allele, 1 heterozygote.

NM_201384.3(PLEC):c.7496A>C (p.Lys2499Thr)

Gene: PLEC (plectin; minus strand). Cytogenetic location: 8q24.3.
Variant type: single nucleotide variant.
Coding change: c.7496A>C on transcript NM_201384.3 (MANE Select); coding-DNA position 7496, A replaced by C.
Protein change: p.Lys2499Thr; replaces lysine 2499 with threonine.
Molecular consequence: missense variant.
Genome position (GRCh38, 1-based): chr8:143,922,325, T>G on the plus strand (A>C on the coding strand, the complement: PLEC is on the minus strand). VCF-style: chr8-143922325-T-G. GRCh37 (hg19) VCF-style: chr8-144996493-T-G.
Other names: c.7577A>C, p.Lys2526Thr (NM_000445.5); c.7454A>C, p.Lys2485Thr (NM_201378.4); c.7430A>C, p.Lys2477Thr (NM_201379.3); c.7907A>C, p.Lys2636Thr (NM_201380.4); c.7400A>C, p.Lys2467Thr (NM_201381.3); c.7496A>C, p.Lys2499Thr (NM_201382.4); c.7508A>C, p.Lys2503Thr (NM_201383.3); short protein forms K2636T, K2503T, K2526T, K2467T, K2485T, K2499T, K2477T.
Identifiers: ClinVar variation 471650 (VCV000471650.11), dbSNP rs1338861681, ClinGen allele CA372524947.